The following is an entry in ClinVar:

NM_017635.5(KMT5B):c.2511GGA[1] (p.Glu838del)

Gene: KMT5B (lysine methyltransferase 5B; minus strand). Cytogenetic location: 11q13.2.
Variant type: Microsatellite.
Coding change: c.2511GGA[1] on transcript NM_017635.5 (MANE Select); one copy of the 3-base unit GGA starting at c.2511; the reference has two copies in a row; one copy, 3 bases deleted.
Protein change: p.Glu838del; deletes glutamic acid 838.
Molecular consequence: inframe deletion.
Genome position (GRCh38, 1-based): chr11:68,157,830-68,157,832, TCC deleted on the plus strand (GGA on the coding strand, the reverse complement: KMT5B is on the minus strand); deleting any 3 consecutive bases within chr11:68,157,830-68,157,837 gives the same sequence; the position shown is the placement nearest the transcript's 3' end. VCF-style (leftmost placement, unchanged base first): chr11-68157829-ATCC-A. GRCh37 (hg19) VCF-style: chr11-67925296-ATCC-A.
Other names: c.1995GGA[1], p.Glu666del (NM_001300907.1, NM_001369428.1, NM_001369429.1 and 4 more transcripts); c.1791GGA[1], p.Glu598del (NM_001300908.2); c.2511GGA[1], p.Glu838del (NM_001369426.1); short protein forms E598del, E838del, E666del.
Identifiers: ClinVar variation 1033435 (VCV001033435.1), dbSNP rs761209606, ClinGen allele CA6147999.
Genomic context (GRCh38, chr11:68,157,829, plus strand): 5'-CCTCAAGCGCTTAGCTGGAGGAAGAGGAATAAAATCGTCTTCAAAGTCATCATCATAGTC[ATCC>A]TCCTCTTCATCGCCCTCAGAAGAGGAGGAATCATCTGTACTTTCTTCCTCATACTGACTA-3'

ClinVar aggregate classification (germline): Uncertain significance (1 of 4 stars; one submission).

Conditions:
Intellectual developmental disorder, autosomal dominant 51. Also called: Intellectual disability, autosomal dominant 51; MENTAL RETARDATION, AUTOSOMAL DOMINANT 51. Identifiers: Orphanet 684226, MedGen C4540474, MONDO:0030917, OMIM 617788.

Submission:

Baylor Genetics
Classification: Uncertain significance for Intellectual developmental disorder, autosomal dominant 51. Last evaluated: 2018-08-22. Review status: criteria provided, single submitter. Criteria: ACMG Guidelines, 2015. Collection method: clinical testing. Allele origin: maternal. Affected: yes.
Comment: This variant was determined to be of uncertain significance according to ACMG Guidelines, 2015 [PMID:25741868].